The following is an entry in ClinVar:

NM_080284.3(ABCA6):c.2523A>T (p.Ala841=)

Gene: ABCA6 (ATP binding cassette subfamily A member 6; minus strand). Cytogenetic location: 17q24.3.
Variant type: single nucleotide variant.
Coding change: c.2523A>T on transcript NM_080284.3 (MANE Select); coding-DNA position 2523, A replaced by T.
Protein change: p.Ala841=; no amino-acid change (alanine 841 retained).
Molecular consequence: synonymous variant.
Genome position (GRCh38, 1-based): chr17:69,106,078, T>A on the plus strand (A>T on the coding strand, the complement: ABCA6 is on the minus strand). VCF-style: chr17-69106078-T-A. GRCh37 (hg19) VCF-style: chr17-67102219-T-A.
Identifiers: ClinVar variation 2648164 (VCV002648164.24), dbSNP rs201335970, ClinGen allele CA8734188.

ClinVar aggregate classification (germline): Likely benign (1 of 4 stars; one submission).

Allele frequency attached by ClinVar (database versions not stated): gnomAD 0.00003; TOPMed 0.00003; ExAC 0.00007; ESP Exome Variant Server 0.00008; 1000 Genomes Project 30x 0.00016; 1000 Genomes Project 0.00020.

Submission:

CeGaT Center for Human Genetics Tuebingen
Classification: Likely benign. Last evaluated: 2022-11-01. Review status: criteria provided, single submitter. Criteria: CeGaT Center For Human Genetics Tuebingen Variant Classification Criteria Version 2. Collection method: clinical testing. Allele origin: germline. Affected: yes. Observed: 1 variant allele.
Comment: ABCA6: BP4, BP7